The following is an entry in ClinVar:

ClinVar aggregate classification (germline): Uncertain significance (1 of 4 stars; one submission).

gnomAD v4.1: 5 of 1,613,970 alleles (0.00031%); highest among the groups gnomAD compares: East Asian, 0.0045%; no homozygotes.

Submission:

Labcorp Genetics (formerly Invitae), Labcorp
Classification: Uncertain significance. Last evaluated: 2025-05-27. Review status: criteria provided, single submitter. Criteria: Invitae Variant Classification Sherloc (09022015). Collection method: clinical testing. Allele origin: germline.
Comment: This sequence change replaces arginine, which is basic and polar, with tryptophan, which is neutral and slightly polar, at codon 20 of the SKIV2L protein (p.Arg20Trp). This variant is present in population databases (rs746481824, gnomAD 0.01%). This variant has not been reported in the literature in individuals affected with SKIV2L-related conditions. ClinVar contains an entry for this variant (Variation ID: 3615918). An algorithm developed to predict the effect of missense changes on protein structure and function (PolyPhen-2) suggests that this variant is likely to be tolerated. In summary, the available evidence is currently insufficient to determine the role of this variant in disease. Therefore, it has been classified as a Variant of Uncertain Significance.

NM_006929.5(SKIC2):c.58C>T (p.Arg20Trp)

Gene: SKIC2 (SKI2 subunit of superkiller complex; plus strand). Cytogenetic location: 6p21.33.
Variant type: single nucleotide variant.
Coding change: c.58C>T on transcript NM_006929.5 (MANE Select); coding-DNA position 58, C replaced by T.
Protein change: p.Arg20Trp; replaces arginine 20 with tryptophan.
Molecular consequence: missense variant.
Genome position (GRCh38, 1-based): chr6:31,959,332, C>T. VCF-style: chr6-31959332-C-T. GRCh37 (hg19) VCF-style: chr6-31927109-C-T.
Other names: short protein forms R20W.
Identifiers: ClinVar variation 3615918 (VCV003615918.2).
Genomic context (GRCh38, chr6:31,959,332, plus strand): 5'-CCTGACTTTTGACCTTTCCCCGTAGTGCTACCCCCTCCAGATCCCCTGGACCTACCCCTT[C>T]GGGCCGTGGAGCTCGGATGCACGGGGCACTGGGAGCTGCTGAACTTGCCTGGAGCTCCAG-3'
Protein context (NP_008860.4, residues 10-30): PPPDPLDLPL[Arg20Trp]AVELGCTGHW